The following is an entry in ClinVar:

ClinVar aggregate classification (germline): Likely benign. Review status: criteria provided, multiple submitters, no conflicts (2 of 4 stars). 3 submissions from 3 submitters: Likely benign (3). Last evaluated 2025-03-29.

Conditions:
SPRY4-related disorder. Also called: SPRY4-related condition.

Allele frequency attached by ClinVar (database versions not stated): TOPMed 0.00001; ExAC 0.00002; gnomAD exomes 0.00002; gnomAD 0.00003.
gnomAD v4.1: 23 of 1,614,114 alleles (0.0014%); highest among the groups gnomAD compares: South Asian, 0.018%; no homozygotes.

Submissions (3):

Labcorp Genetics (formerly Invitae), Labcorp
Classification: Likely benign. Last evaluated: 2025-03-29. Review status: criteria provided, single submitter. Criteria: Invitae Variant Classification Sherloc (09022015). Collection method: clinical testing. Allele origin: germline.

PreventionGenetics, part of Exact Sciences
Classification: Likely benign for SPRY4-related condition. Last evaluated: 2024-11-18. Review status: criteria provided, single submitter. Criteria: ACMG Guidelines, 2015. Collection method: clinical testing. Allele origin: germline.
Comment: This variant is classified as likely benign based on ACMG/AMP sequence variant interpretation guidelines (Richards et al. 2015 PMID: 25741868, with internal and published modifications).

Women's Health and Genetics/Laboratory Corporation of America, LabCorp
Classification: Likely benign. Last evaluated: 2024-10-15. Review status: criteria provided, single submitter. Criteria: LabCorp Variant Classification Summary - May 2015. Collection method: clinical testing. Allele origin: germline.

NM_001127496.3(SPRY4):c.450C>T (p.Pro150=)

Gene: SPRY4 (sprouty RTK signaling antagonist 4; minus strand). Cytogenetic location: 5q31.3.
Variant type: single nucleotide variant.
Coding change: c.450C>T on transcript NM_001127496.3 (MANE Select); coding-DNA position 450, C replaced by T.
Protein change: p.Pro150=; no amino-acid change (proline 150 retained).
Molecular consequence: synonymous variant.
Genome position (GRCh38, 1-based): chr5:142,314,659, G>A on the plus strand (C>T on the coding strand, the complement: SPRY4 is on the minus strand). VCF-style: chr5-142314659-G-A. GRCh37 (hg19) VCF-style: chr5-141694224-G-A.
Other names: c.450C>T, p.Pro150= (NM_001293289.3, NM_001293290.3); c.519C>T, p.Pro173= (NM_030964.5).
Identifiers: ClinVar variation 723177 (VCV000723177.6), dbSNP rs749035667, ClinGen allele CA3485545.